The following is an entry in ClinVar:

ClinVar aggregate classification (germline): Uncertain significance. Review status: criteria provided, multiple submitters, no conflicts (2 of 4 stars). 3 submissions from 3 submitters: Uncertain significance (3). Last evaluated 2025-05-25.

Conditions:
Developmental delay, hypotonia, musculoskeletal defects, and behavioral abnormalities. Identifiers: MedGen C5562012, MONDO:0859202, OMIM 619595.
Floating-Harbor syndrome (FLHS). Also called: Short stature with delayed bone age, expressive language delay, a triangular face with a prominent nose and deep-set eyes; Pelletier-Leisti syndrome; SRCAP-Related Floating-Harbor Syndrome. Identifiers: Orphanet 2044, MedGen C0729582, MONDO:0007621, OMIM 136140.

gnomAD v4.1: 13 of 1,614,182 alleles (0.00081%); highest among the groups gnomAD compares: Non-Finnish European, 0.00085%; no homozygotes.

Submissions (3):

Labcorp Genetics (formerly Invitae), Labcorp
Classification: Uncertain significance. Last evaluated: 2025-05-25. Review status: criteria provided, single submitter. Criteria: Invitae Variant Classification Sherloc (09022015). Collection method: clinical testing. Allele origin: germline.
Comment: This sequence change replaces proline, which is neutral and non-polar, with threonine, which is neutral and polar, at codon 278 of the SRCAP protein (p.Pro278Thr). This variant is present in population databases (no rsID available, gnomAD 0.0009%). This variant has not been reported in the literature in individuals affected with SRCAP-related conditions. ClinVar contains an entry for this variant (Variation ID: 2172449). Invitae Evidence Modeling of protein sequence and biophysical properties (such as structural, functional, and spatial information, amino acid conservation, physicochemical variation, residue mobility, and thermodynamic stability) indicates that this missense variant is not expected to disrupt SRCAP protein function with a negative predictive value of 80%. In summary, the available evidence is currently insufficient to determine the role of this variant in disease. Therefore, it has been classified as a Variant of Uncertain Significance.

Women's Health and Genetics/Laboratory Corporation of America, LabCorp
Classification: Uncertain significance. Last evaluated: 2024-11-05. Review status: criteria provided, single submitter. Criteria: LabCorp Variant Classification Summary - May 2015. Collection method: clinical testing. Allele origin: germline.
Comment: Variant summary: SRCAP c.832C>A (p.Pro278Thr) results in a non-conservative amino acid change in the encoded protein sequence. Four of five in-silico tools predict a benign effect of the variant on protein function. The variant allele was found at a frequency of 4e-06 in 251496 control chromosomes. The available data on variant occurrences in the general population are insufficient to allow any conclusion about variant significance. To our knowledge, no occurrence of c.832C>A in individuals affected with Floating-Harbor Syndrome and no experimental evidence demonstrating its impact on protein function have been reported. ClinVar contains an entry for this variant (Variation ID: 2172449). Based on the evidence outlined above, the variant was classified as uncertain significance.

Fulgent Genetics
Classification: Uncertain significance for Floating-Harbor syndrome; Developmental delay, hypotonia, musculoskeletal defects, and behavioral abnormalities. Last evaluated: 2024-01-23. Review status: criteria provided, single submitter. Criteria: ACMG Guidelines, 2015. Collection method: clinical testing. Allele origin: germline.

NM_006662.3(SRCAP):c.832C>A (p.Pro278Thr)

Gene: SRCAP (Snf2 related CREBBP activator protein; plus strand). Cytogenetic location: 16p11.2.
Variant type: single nucleotide variant.
Coding change: c.832C>A on transcript NM_006662.3 (MANE Select); coding-DNA position 832, C replaced by A.
Protein change: p.Pro278Thr; replaces proline 278 with threonine.
Molecular consequence: missense variant.
Genome position (GRCh38, 1-based): chr16:30,709,711, C>A. VCF-style: chr16-30709711-C-A. GRCh37 (hg19) VCF-style: chr16-30721032-C-A.
Other names: short protein forms P278T.
Identifiers: ClinVar variation 2172449 (VCV002172449.6), dbSNP rs773727840, ClinGen allele CA395602195.